The following is an entry in ClinVar:

ClinVar aggregate classification (germline): Uncertain significance. Review status: criteria provided, multiple submitters, no conflicts (2 of 4 stars). 2 submissions from 2 submitters: Uncertain significance (2). Last evaluated 2025-03-25.

Conditions:
Inborn genetic diseases. Identifiers: MedGen C0950123, MeSH D030342.

Allele frequency attached by ClinVar (database versions not stated): TOPMed 0.00007; gnomAD 0.00010; gnomAD exomes 0.00014.

Submissions (2):

Ambry Genetics
Classification: Uncertain significance for Inborn genetic diseases. Last evaluated: 2025-03-25. Review status: criteria provided, single submitter. Criteria: Ambry Variant Classification Scheme 2023. Collection method: clinical testing. Allele origin: germline.

Labcorp Genetics (formerly Invitae), Labcorp
Classification: Uncertain significance. Last evaluated: 2022-05-17. Review status: criteria provided, single submitter. Criteria: Invitae Variant Classification Sherloc (09022015). Collection method: clinical testing. Allele origin: germline.
Comment: This sequence change replaces glycine, which is neutral and non-polar, with aspartic acid, which is acidic and polar, at codon 9 of the SOX18 protein (p.Gly9Asp). The frequency data for this variant in the population databases is considered unreliable, as metrics indicate poor data quality at this position in the gnomAD database. This variant has not been reported in the literature in individuals affected with SOX18-related conditions. Algorithms developed to predict the effect of missense changes on protein structure and function are either unavailable or do not agree on the potential impact of this missense change (SIFT: "Tolerated"; PolyPhen-2: "Probably Damaging"; Align-GVGD: "Class C0"). In summary, the available evidence is currently insufficient to determine the role of this variant in disease. Therefore, it has been classified as a Variant of Uncertain Significance.

NM_018419.3(SOX18):c.26G>A (p.Gly9Asp)

Gene: SOX18 (SRY-box transcription factor 18; minus strand). Cytogenetic location: 20q13.33.
Variant type: single nucleotide variant.
Coding change: c.26G>A on transcript NM_018419.3 (MANE Select); coding-DNA position 26, G replaced by A.
Protein change: p.Gly9Asp; replaces glycine 9 with aspartic acid.
Molecular consequence: missense variant.
Genome position (GRCh38, 1-based): chr20:64,049,491, C>T on the plus strand (G>A on the coding strand, the complement: SOX18 is on the minus strand). VCF-style: chr20-64049491-C-T. GRCh37 (hg19) VCF-style: chr20-62680844-C-T.
Other names: c.26G>A (NM_018419.2); short protein forms G9D.
Identifiers: ClinVar variation 2167841 (VCV002167841.5), dbSNP rs990554309, ClinGen allele CA317564547.